The following is an entry in ClinVar:

NM_201384.3(PLEC):c.5090A>C (p.Gln1697Pro)

Gene: PLEC (plectin; minus strand). Cytogenetic location: 8q24.3.
Variant type: single nucleotide variant.
Coding change: c.5090A>C on transcript NM_201384.3 (MANE Select); coding-DNA position 5090, A replaced by C.
Protein change: p.Gln1697Pro; replaces glutamine 1697 with proline.
Molecular consequence: missense variant.
Genome position (GRCh38, 1-based): chr8:143,924,839, T>G on the plus strand (A>C on the coding strand, the complement: PLEC is on the minus strand). VCF-style: chr8-143924839-T-G. GRCh37 (hg19) VCF-style: chr8-144999007-T-G.
Other names: c.5090A>C, p.Gln1697Pro (NM_201382.4); c.5102A>C, p.Gln1701Pro (NM_201383.3); c.5171A>C, p.Gln1724Pro (NM_000445.5); c.5048A>C, p.Gln1683Pro (NM_201378.4); c.5024A>C, p.Gln1675Pro (NM_201379.3); c.5501A>C, p.Gln1834Pro (NM_201380.4); c.4994A>C, p.Gln1665Pro (NM_201381.3); short protein forms Q1675P, Q1683P, Q1697P, Q1701P, Q1665P, Q1724P, Q1834P.
Identifiers: ClinVar variation 1501067 (VCV001501067.8), dbSNP rs2131428507, ClinGen allele CA372549782.

ClinVar aggregate classification (germline): Uncertain significance (1 of 4 stars; one submission).

Conditions:
Epidermolysis bullosa simplex 5B, with muscular dystrophy (EBS5B). Also called: Epidermolysis bullosa simplex with muscular dystrophy; EPIDERMOLYSIS BULLOSA SIMPLEX AND LIMB-GIRDLE MUSCULAR DYSTROPHY. Identifiers: Orphanet 257, MedGen C2931072, MONDO:0009181, OMIM 226670.
Autosomal recessive limb-girdle muscular dystrophy type 2Q (LGMDR17). Also called: MUSCULAR DYSTROPHY, LIMB-GIRDLE, AUTOSOMAL RECESSIVE 17. Identifiers: Orphanet 254361, MedGen C3150989, MONDO:0013390, OMIM 613723.
Epidermolysis bullosa simplex with nail dystrophy (EBS5D). Identifiers: MedGen C4225309, MONDO:0014661, OMIM 616487.
Epidermolysis bullosa simplex 5C, with pyloric atresia (EBS5C). Also called: Epidermolysis bullosa simplex with pyloric atresia; PLEC-Related Epidermolysis Bullosa with Pyloric Atresia; PLEC1-Related Epidermolysis Bullosa with Pyloric Atresia. Identifiers: Orphanet 158684, MedGen C2677349, MONDO:0012807, OMIM 612138.
Epidermolysis bullosa simplex, Ogna type (EBS5A). Also called: EPIDERMOLYSIS BULLOSA SIMPLEX 5A, OGNA TYPE; Pidermolysis bullosa simplex 5A, Ogna type. Identifiers: Orphanet 79401, MedGen C0432317, MONDO:0007555, OMIM 131950.

Submission:

Labcorp Genetics (formerly Invitae), Labcorp
Classification: Uncertain significance for Autosomal recessive limb-girdle muscular dystrophy type 2Q; Epidermolysis bullosa simplex, Ogna type; Epidermolysis bullosa simplex with nail dystrophy; Epidermolysis bullosa simplex 5C, with pyloric atresia; Epidermolysis bullosa simplex 5B, with muscular dystrophy. Last evaluated: 2021-03-15. Review status: criteria provided, single submitter. Criteria: Invitae Variant Classification Sherloc (09022015). Collection method: clinical testing. Allele origin: germline.
Comment: This sequence change replaces glutamine with proline at codon 1724 of the PLEC protein (p.Gln1724Pro). The glutamine residue is highly conserved and there is a moderate physicochemical difference between glutamine and proline. This variant is not present in population databases (ExAC no frequency). This variant has not been reported in the literature in individuals with PLEC-related conditions. Algorithms developed to predict the effect of missense changes on protein structure and function are either unavailable or do not agree on the potential impact of this missense change (SIFT: "Deleterious"; PolyPhen-2: "Not Available"; Align-GVGD: "Class C65"). In summary, the available evidence is currently insufficient to determine the role of this variant in disease. Therefore, it has been classified as a Variant of Uncertain Significance.